The following is an entry in ClinVar:

ClinVar aggregate classification (germline): Likely pathogenic (1 of 4 stars; one submission).

Conditions:
CFTR-related disorder (CFTR-RD). Also called: CFTR-related disorders; CFTR-related condition. Identifiers: MedGen C5924204, MONDO:7770004.

Submission:

Natera, Inc.
Classification: Likely pathogenic for CFTR-related disorders. Last evaluated: 2025-01-09. Review status: criteria provided, single submitter. Criteria: Natera Variant Classification Schema (03/2026). Collection method: clinical testing. Allele origin: germline.
Comment: The c.85A>T variant in CFTR is a nonsense variant predicted to introduce a stop codon at amino acid 29. This variant is expected to result in nonsense mediated decay, truncation, or a dysfunctional protein product. This variant is rare in the general population with a frequency below the threshold expected for the associated phenotype(s). Given the available evidence, this variant is classified as Likely Pathogenic.

NM_000492.4(CFTR):c.85A>T (p.Arg29Ter)

Gene: CFTR (CF transmembrane conductance regulator; plus strand). Cytogenetic location: 7q31.2.
Variant type: single nucleotide variant.
Coding change: c.85A>T on transcript NM_000492.4 (MANE Select); coding-DNA position 85, A replaced by T.
Protein change: p.Arg29Ter; replaces arginine 29 with a stop codon.
Molecular consequence: nonsense.
Genome position (GRCh38, 1-based): chr7:117,504,284, A>T. VCF-style: chr7-117504284-A-T. GRCh37 (hg19) VCF-style: chr7-117144338-A-T.
Other names: short protein forms R29*.
Identifiers: ClinVar variation 4064657 (VCV004064657.2).